The following is an entry in ClinVar:

NM_001292063.2(OTOG):c.670C>G (p.Pro224Ala)

Gene: OTOG (otogelin; plus strand). Cytogenetic location: 11p15.1.
Variant type: single nucleotide variant.
Coding change: c.670C>G on transcript NM_001292063.2 (MANE Select); coding-DNA position 670, C replaced by G.
Protein change: p.Pro224Ala; replaces proline 224 with alanine.
Molecular consequence: missense variant.
Genome position (GRCh38, 1-based): chr11:17,557,128, C>G. VCF-style: chr11-17557128-C-G. GRCh37 (hg19) VCF-style: chr11-17578675-C-G.
Other names: c.706C>G, p.Pro236Ala (NM_001277269.2); short protein forms P224A, P236A.
Identifiers: ClinVar variation 2796893 (VCV002796893.3), dbSNP rs2497376290, ClinGen allele CA379813430.

ClinVar aggregate classification (germline): Uncertain significance (1 of 4 stars; one submission).

Submission:

Labcorp Genetics (formerly Invitae), Labcorp
Classification: Uncertain significance. Last evaluated: 2023-01-10. Review status: criteria provided, single submitter. Criteria: Invitae Variant Classification Sherloc (09022015). Collection method: clinical testing. Allele origin: germline.
Comment: In summary, the available evidence is currently insufficient to determine the role of this variant in disease. Therefore, it has been classified as a Variant of Uncertain Significance. Algorithms developed to predict the effect of missense changes on protein structure and function are either unavailable or do not agree on the potential impact of this missense change (SIFT: "Deleterious"; PolyPhen-2: "Probably Damaging"; Align-GVGD: "Class C0"). This variant has not been reported in the literature in individuals affected with OTOG-related conditions. This variant is not present in population databases (gnomAD no frequency). This sequence change replaces proline, which is neutral and non-polar, with alanine, which is neutral and non-polar, at codon 236 of the OTOG protein (p.Pro236Ala).